The following is an entry in ClinVar:

NM_138927.4(SON):c.6657+299C>A

Gene: SON (SON DNA and RNA binding protein; plus strand). Cytogenetic location: 21q22.11.
Variant type: single nucleotide variant.
Coding change: c.6657+299C>A on transcript NM_138927.4 (MANE Select); 299 bases into the intron after coding-DNA position 6657, C replaced by A.
Molecular consequence: intron variant. On other transcripts: nonsense (1).
Genome position (GRCh38, 1-based): chr21:33,560,074, C>A. VCF-style: chr21-33560074-C-A. GRCh37 (hg19) VCF-style: chr21-34932380-C-A.
Other names: c.6855C>A, p.Tyr2285Ter (NM_032195.3); c.741+299C>A (NM_001291412.3); short protein forms Y2285*.
Identifiers: ClinVar variation 3776481 (VCV003776481.1).
Genomic context (GRCh38, chr21:33,560,074, plus strand): 5'-TATCACATCCCTACCCAACATTGGGCCCTCCCTGCACTTGTGGGAAGGTAGTCCAAGGTA[C>A]AACTATTTAGCTTCCCGATTTGCTTCAAGGCTCTATAGCTCTAGATTTTGGTGGTAGCAA-3'

ClinVar aggregate classification (germline): Uncertain significance (1 of 4 stars; one submission).

Submission:

GeneDx
Classification: Uncertain significance. Last evaluated: 2024-10-01. Review status: criteria provided, single submitter. Criteria: GeneDx Variant Classification Process June 2021. Collection method: clinical testing. Allele origin: germline. Affected: yes.
Comment: Not observed at significant frequency in large population cohorts (gnomAD); Nonsense variant predicted to result in protein truncation as the last 19 amino acids are lost; Has not been previously published as pathogenic or benign to our knowledge; Reported using an alternate transcript of the gene